The following is an entry in ClinVar:

NM_206933.4(USH2A):c.6958-3C>T

Gene: USH2A (usherin; minus strand). Cytogenetic location: 1q41.
Variant type: single nucleotide variant.
Coding change: c.6958-3C>T on transcript NM_206933.4 (MANE Select); 3 bases into the intron before coding-DNA position 6958, C replaced by T.
Molecular consequence: intron variant.
Genome position (GRCh38, 1-based): chr1:215,965,482, G>A on the plus strand (C>T on the coding strand, the complement: USH2A is on the minus strand). VCF-style: chr1-215965482-G-A. GRCh37 (hg19) VCF-style: chr1-216138824-G-A.
Identifiers: ClinVar variation 2164492 (VCV002164492.4), dbSNP rs776340575, ClinGen allele CA1394981.

ClinVar aggregate classification (germline): Conflicting classifications of pathogenicity. Review status: criteria provided, conflicting classifications (1 of 4 stars). 3 submissions from 3 submitters: Uncertain significance (2); Likely benign (1). Last evaluated 2024-07-17.

Allele frequency attached by ClinVar (database versions not stated): ExAC 0.00001; gnomAD 0.00001.
gnomAD v4.1: 11 of 1,613,326 alleles (0.00068%); highest among the groups gnomAD compares: Admixed American, 0.0067%; no homozygotes.

Submissions (3):

Blueprint Genetics
Classification: Likely benign. Last evaluated: 2024-07-17. Review status: criteria provided, single submitter. Criteria: ACMG Guidelines, 2015. Collection method: clinical testing. Allele origin: germline.

Women's Health and Genetics/Laboratory Corporation of America, LabCorp
Classification: Uncertain significance. Last evaluated: 2024-02-20. Review status: criteria provided, single submitter. Criteria: LabCorp Variant Classification Summary - May 2015. Collection method: clinical testing. Allele origin: germline.
Comment: Variant summary: USH2A c.6958-3C>T alters a non-conserved nucleotide located close to a canonical splice site and therefore could affect mRNA splicing, leading to a significantly altered protein sequence. Consensus agreement among computation tools predict no significant impact on normal splicing. However, these predictions have yet to be confirmed by functional studies. The variant allele was found at a frequency of 8e-06 in 250726 control chromosomes. The available data on variant occurrences in the general population are insufficient to allow any conclusion about variant significance. To our knowledge, no occurrence of c.6958-3C>T in individuals affected with Usher Syndrome and no experimental evidence demonstrating its impact on protein function have been reported. ClinVar contains an entry for this variant (Variation ID: 2164492). Based on the evidence outlined above, the variant was classified as uncertain significance.

Labcorp Genetics (formerly Invitae), Labcorp
Classification: Uncertain significance. Last evaluated: 2022-07-25. Review status: criteria provided, single submitter. Criteria: Invitae Variant Classification Sherloc (09022015). Collection method: clinical testing. Allele origin: germline.
Comment: This sequence change falls in intron 36 of the USH2A gene. It does not directly change the encoded amino acid sequence of the USH2A protein. It affects a nucleotide within the consensus splice site. This variant is present in population databases (rs776340575, gnomAD 0.006%). This variant has not been reported in the literature in individuals affected with USH2A-related conditions. Variants that disrupt the consensus splice site are a relatively common cause of aberrant splicing (PMID: 17576681, 9536098). Algorithms developed to predict the effect of sequence changes on RNA splicing suggest that this variant is not likely to affect RNA splicing. In summary, the available evidence is currently insufficient to determine the role of this variant in disease. Therefore, it has been classified as a Variant of Uncertain Significance.

Literature cited by the submitters: PubMed 17576681 (cited by Labcorp Genetics (formerly Invitae), Labcorp); PubMed 9536098 (cited by Labcorp Genetics (formerly Invitae), Labcorp).